The following is an entry in ClinVar:

NM_003072.5(SMARCA4):c.322C>T (p.Pro108Ser)

Gene: SMARCA4 (SWI/SNF related BAF chromatin remodeling complex subunit ATPase 4; plus strand). Cytogenetic location: 19p13.2.
Variant type: single nucleotide variant.
Coding change: c.322C>T on transcript NM_003072.5 (MANE Select); coding-DNA position 322, C replaced by T.
Protein change: p.Pro108Ser; replaces proline 108 with serine.
Molecular consequence: missense variant. On other transcripts: non-coding transcript variant (1).
Genome position (GRCh38, 1-based): chr19:10,985,372, C>T. VCF-style: chr19-10985372-C-T. GRCh37 (hg19) VCF-style: chr19-11096048-C-T.
Other names: c.322C>T, p.Pro108Ser (NM_001128844.3, NM_001128845.2, NM_001128846.2 and 6 more transcripts); short protein forms P108S.
Identifiers: ClinVar variation 4692963 (VCV004692963.1).

ClinVar aggregate classification (germline): Uncertain significance (1 of 4 stars; one submission).

Conditions:
Rhabdoid tumor predisposition syndrome 2 (RTPS2). Identifiers: Orphanet 231108, Orphanet 69077, MedGen C2750074, MONDO:0013224, OMIM 613325.

Submission:

Labcorp Genetics (formerly Invitae), Labcorp
Classification: Uncertain significance for Rhabdoid tumor predisposition syndrome 2. Last evaluated: 2025-09-09. Review status: criteria provided, single submitter. Criteria: Invitae Variant Classification Sherloc (09022015). Collection method: clinical testing. Allele origin: germline.
Comment: This sequence change replaces proline, which is neutral and non-polar, with serine, which is neutral and polar, at codon 108 of the SMARCA4 protein (p.Pro108Ser). This variant is not present in population databases (gnomAD no frequency). This variant has not been reported in the literature in individuals affected with SMARCA4-related conditions. Invitae Evidence Modeling of protein sequence and biophysical properties (such as structural, functional, and spatial information, amino acid conservation, physicochemical variation, residue mobility, and thermodynamic stability) indicates that this missense variant is not expected to disrupt SMARCA4 protein function with a negative predictive value of 80%. In summary, the available evidence is currently insufficient to determine the role of this variant in disease. Therefore, it has been classified as a Variant of Uncertain Significance.